The following is an entry in ClinVar:

ClinVar aggregate classification (germline): Likely benign (1 of 4 stars; one submission).

Conditions:
SEMA3A-related disorder. Also called: SEMA3A-related condition.

gnomAD v4.1: 12 of 1,561,052 alleles (0.00077%); highest among the groups gnomAD compares: East Asian, 0.0023%; no homozygotes.

Submission:

PreventionGenetics, part of Exact Sciences
Classification: Likely benign for SEMA3A-related condition. Last evaluated: 2025-11-04. Review status: criteria provided, single submitter. Criteria: ACMG Guidelines, 2015. Collection method: clinical testing. Allele origin: germline.
Comment: This variant is classified as likely benign based on ACMG/AMP sequence variant interpretation guidelines (Richards et al. 2015 PMID: 25741868, with internal and published modifications).

NM_006080.3(SEMA3A):c.547+4C>T

Gene: SEMA3A (semaphorin 3A; minus strand). Cytogenetic location: 7q21.11.
Variant type: single nucleotide variant.
Coding change: c.547+4C>T on transcript NM_006080.3 (MANE Select); 4 bases into the intron after coding-DNA position 547, C replaced by T.
Molecular consequence: intron variant.
Genome position (GRCh38, 1-based): chr7:84,060,461, G>A on the plus strand (C>T on the coding strand, the complement: SEMA3A is on the minus strand). VCF-style: chr7-84060461-G-A. GRCh37 (hg19) VCF-style: chr7-83689777-G-A.
Identifiers: ClinVar variation 4984974 (VCV004984974.1).